The following is an entry in ClinVar:

ClinVar aggregate classification (germline): Pathogenic. Review status: criteria provided, single submitter (1 of 4 stars). 2 submissions from 2 submitters: Pathogenic (1). 1 of the submissions does not count toward it. Last evaluated 2022-05-17.

Conditions:
CNGA1-related disorder. Also called: CNGA1-related condition.

Submissions (2):

Labcorp Genetics (formerly Invitae), Labcorp
Classification: Pathogenic. Last evaluated: 2022-05-17. Review status: criteria provided, single submitter. Criteria: Invitae Variant Classification Sherloc (09022015). Collection method: clinical testing. Allele origin: germline.
Comment: ClinVar contains an entry for this variant (Variation ID: 1075989). This variant has not been reported in the literature in individuals affected with CNGA1-related conditions. This variant is present in population databases (no rsID available, gnomAD 0.02%). This sequence change creates a premature translational stop signal (p.Pro368Leufs*3) in the CNGA1 gene. While this is not anticipated to result in nonsense mediated decay, it is expected to disrupt the last 323 amino acid(s) of the CNGA1 protein. For these reasons, this variant has been classified as Pathogenic. This variant disrupts a region of the CNGA1 protein in which other variant(s) (p.Arg424*) have been determined to be pathogenic (PMID: 26496393). This suggests that this is a clinically significant region of the protein, and that variants that disrupt it are likely to be disease-causing.

PreventionGenetics, part of Exact Sciences
Classification: Likely pathogenic for CNGA1-related condition. Last evaluated: 2024-09-24. Review status: no assertion criteria provided. Collection method: clinical testing. Allele origin: germline. Not counted in ClinVar's aggregate classification.
Comment: The CNGA1 c.1103delC variant is predicted to result in a frameshift and premature protein termination (p.Pro368Leufs*3). To our knowledge, this variant has not been reported in the literature. This variant is reported in 0.023% of alleles in individuals of African descent in gnomAD. Frameshift variants in CNGA1 are expected to be pathogenic. This variant is interpreted as likely pathogenic.

Literature cited by the submitters: PubMed 26496393 (cited by Labcorp Genetics (formerly Invitae), Labcorp).

NM_001379270.1(CNGA1):c.1091del (p.Pro364fs)

Genes: CNGA1 (cyclic nucleotide gated channel subunit alpha 1; minus strand), LOC101927157 (uncharacterized LOC101927157; plus strand). Cytogenetic location: 4p12.
Variant type: Deletion.
Coding change: c.1091del on transcript NM_001379270.1 (MANE Select); coding-DNA position 1091, one base deleted (C; older notation c.1091delC).
Protein change: p.Pro364fs; shifts the reading frame from proline 364.
Molecular consequence: frameshift variant.
Genome position (GRCh38, 1-based): chr4:47,937,391, G deleted on the plus strand (C on the coding strand, the reverse complement: CNGA1 is on the minus strand); the first of 5 consecutive G bases (chr4:47,937,391-47,937,395); deleting any one gives the same sequence. VCF-style (leftmost placement, unchanged base first): chr4-47937390-AG-A. GRCh37 (hg19) VCF-style: chr4-47939407-AG-A.
Other names: c.1091del, p.Pro364fs (NM_000087.5, NM_001142564.2); c.1103delC (NM_000087.3); short protein forms P364fs.
Identifiers: ClinVar variation 1075989 (VCV001075989.10), dbSNP rs1428479359, ClinGen allele CA551650470.